The following is an entry in ClinVar:

ClinVar aggregate classification (germline): Conflicting classifications of pathogenicity. Review status: criteria provided, conflicting classifications (1 of 4 stars). 2 submissions from 2 submitters: Uncertain significance (1); Likely benign (1). Last evaluated 2026-07-10.

Conditions:
Hereditary cancer-predisposing syndrome. Also called: Hereditary Cancer Syndrome; Tumor predisposition; Hereditary neoplastic syndrome; Neoplastic Syndromes, Hereditary. Identifiers: Orphanet 140162, MedGen C0027672, MeSH D009386, MONDO:0015356.
Tuberous sclerosis 1 (TSC1). Identifiers: Orphanet 805, MedGen C1854465, MONDO:0008612, OMIM 191100.

Submissions (2):

Ambry Genetics
Classification: Likely benign for Hereditary cancer-predisposing syndrome. Last evaluated: 2026-07-10. Review status: criteria provided, single submitter. Criteria: Ambry Variant Classification Scheme 2023. Collection method: clinical testing. Allele origin: germline.

Labcorp Genetics (formerly Invitae), Labcorp
Classification: Uncertain significance for Tuberous sclerosis 1. Last evaluated: 2023-07-15. Review status: criteria provided, single submitter. Criteria: Invitae Variant Classification Sherloc (09022015). Collection method: clinical testing. Allele origin: germline.
Comment: In summary, the available evidence is currently insufficient to determine the role of this variant in disease. Therefore, it has been classified as a Variant of Uncertain Significance. Advanced modeling of protein sequence and biophysical properties (such as structural, functional, and spatial information, amino acid conservation, physicochemical variation, residue mobility, and thermodynamic stability) performed at Invitae indicates that this missense variant is not expected to disrupt TSC1 protein function. ClinVar contains an entry for this variant (Variation ID: 534439). This variant has not been reported in the literature in individuals affected with TSC1-related conditions. This variant is not present in population databases (gnomAD no frequency). This sequence change replaces serine, which is neutral and polar, with asparagine, which is neutral and polar, at codon 1111 of the TSC1 protein (p.Ser1111Asn).

NM_000368.5(TSC1):c.3332G>A (p.Ser1111Asn)

Gene: TSC1 (TSC complex subunit 1; minus strand). Cytogenetic location: 9q34.13.
Variant type: single nucleotide variant.
Coding change: c.3332G>A on transcript NM_000368.5 (MANE Select); coding-DNA position 3332, G replaced by A.
Protein change: p.Ser1111Asn; replaces serine 1111 with asparagine.
Molecular consequence: missense variant.
Genome position (GRCh38, 1-based): chr9:132,896,398, C>T on the plus strand (G>A on the coding strand, the complement: TSC1 is on the minus strand). VCF-style: chr9-132896398-C-T. GRCh37 (hg19) VCF-style: chr9-135771785-C-T.
Other names: c.3329G>A, p.Ser1110Asn (NM_001162426.2); c.3179G>A, p.Ser1060Asn (NM_001162427.2); c.2969G>A, p.Ser990Asn (NM_001362177.2); short protein forms S1111N, S1110N, S990N, S1060N.
Identifiers: ClinVar variation 534439 (VCV000534439.11), dbSNP rs1554812642, ClinGen allele CA375366598.
Genomic context (GRCh38, chr9:132,896,398, plus strand): 5'-ATCTTGGCTTCCACACCCAAGTCTTTGCCCAGTTCTGTCTTTAGGCTCTCAGAAAGGCTA[C>T]TGGTCATGCCGTCCTCATCACACTGGCTCTCGCTCTTATTACGAAATAACTCTCGAGCCT-3'
Protein context (NP_000359.1, residues 1101-1121): ESQCDEDGMT[Ser1111Asn]SLSESLKTEL